The following is an entry in ClinVar:

NM_000432.4(MYL2):c.56C>T (p.Ser19Phe)

Genes: MYL2 (myosin light chain 2; minus strand), LOC114827850 (VISTA enhancer hs2149; plus strand). Cytogenetic location: 12q24.11.
Variant type: single nucleotide variant.
Coding change: c.56C>T on transcript NM_000432.4 (MANE Select); coding-DNA position 56, C replaced by T.
Protein change: p.Ser19Phe; replaces serine 19 with phenylalanine.
Molecular consequence: missense variant. On other transcripts: 5 prime UTR variant (1).
Genome position (GRCh38, 1-based): chr12:110,919,141, G>A on the plus strand (C>T on the coding strand, the complement: MYL2 is on the minus strand). VCF-style: chr12-110919141-G-A. GRCh37 (hg19) VCF-style: chr12-111356945-G-A.
Other names: c.56C>T, p.Ser19Phe (NM_001406745.1); c.-2C>T (NM_001406916.1); short protein forms S19F.
Identifiers: ClinVar variation 3638528 (VCV003638528.2).

ClinVar aggregate classification (germline): Uncertain significance (1 of 4 stars; one submission).

Conditions:
Hypertrophic cardiomyopathy 10. Also called: MYL2-Related Familial Hypertrophic Cardiomyopathy; CARDIOMYOPATHY, HYPERTROPHIC, MID-LEFT VENTRICULAR CHAMBER TYPE, 2. Identifiers: MedGen C1834460, MONDO:0012112, OMIM 608758.

Submission:

Labcorp Genetics (formerly Invitae), Labcorp
Classification: Uncertain significance for Hypertrophic cardiomyopathy 10. Last evaluated: 2024-02-02. Review status: criteria provided, single submitter. Criteria: Invitae Variant Classification Sherloc (09022015). Collection method: clinical testing. Allele origin: germline.
Comment: This sequence change replaces serine, which is neutral and polar, with phenylalanine, which is neutral and non-polar, at codon 19 of the MYL2 protein (p.Ser19Phe). This variant is not present in population databases (gnomAD no frequency). This variant has not been reported in the literature in individuals affected with MYL2-related conditions. An algorithm developed to predict the effect of missense changes on protein structure and function (PolyPhen-2) suggests that this variant is likely to be disruptive. In summary, the available evidence is currently insufficient to determine the role of this variant in disease. Therefore, it has been classified as a Variant of Uncertain Significance.